The following is an entry in ClinVar:

NM_001253697.2(ERBIN):c.160G>A (p.Asp54Asn)

Gene: ERBIN (erbb2 interacting protein; plus strand). Cytogenetic location: 5q12.3.
Variant type: single nucleotide variant.
Coding change: c.160G>A on transcript NM_001253697.2 (MANE Select); coding-DNA position 160, G replaced by A.
Protein change: p.Asp54Asn; replaces aspartic acid 54 with asparagine.
Molecular consequence: missense variant.
Genome position (GRCh38, 1-based): chr5:65,992,878, G>A. VCF-style: chr5-65992878-G-A. GRCh37 (hg19) VCF-style: chr5-65288706-G-A.
Other names: c.160G>A, p.Asp54Asn (NM_001006600.3, NM_001253698.2, NM_001253699.2 and 2 more transcripts); short protein forms D54N.
Identifiers: ClinVar variation 2965915 (VCV002965915.3), dbSNP rs368318786, ClinGen allele CA3285831.
Genomic context (GRCh38, chr5:65,992,878, plus strand): 5'-TTAGAACAAGTTCCGAAAGAGATTTTTACTTTTGAAAAAACCTTGGAGGAACTCTATTTA[G>A]ATGCTAATCAGATTGAAGAGCTTCCAAAGGTATGCTAATACTTTCTTTCAAGAATTATCT-3'
Protein context (NP_001240626.1, residues 44-64): FEKTLEELYL[Asp54Asn]ANQIEELPKQ

ClinVar aggregate classification (germline): Uncertain significance (1 of 4 stars; one submission).

Allele frequency attached by ClinVar (database versions not stated): gnomAD 0.00005; ExAC 0.00007; TOPMed 0.00007; ESP Exome Variant Server 0.00008.
gnomAD v4.1: 75 of 1,606,832 alleles (0.0047%); highest among the groups gnomAD compares: Non-Finnish European, 0.0062%; no homozygotes.

Submission:

Labcorp Genetics (formerly Invitae), Labcorp
Classification: Uncertain significance. Last evaluated: 2025-11-25. Review status: criteria provided, single submitter. Criteria: Invitae Variant Classification Sherloc (09022015). Collection method: clinical testing. Allele origin: germline.
Comment: This sequence change replaces aspartic acid, which is acidic and polar, with asparagine, which is neutral and polar, at codon 54 of the ERBIN protein (p.Asp54Asn). This variant is present in population databases (rs368318786, gnomAD 0.01%). This variant has not been reported in the literature in individuals affected with ERBIN-related conditions. ClinVar contains an entry for this variant (Variation ID: 2965915). An algorithm developed to predict the effect of missense changes on protein structure and function (PolyPhen-2) suggests that this variant is likely to be disruptive. In summary, the available evidence is currently insufficient to determine the role of this variant in disease. Therefore, it has been classified as a Variant of Uncertain Significance.